The following is an entry in ClinVar:

NM_031935.3(HMCN1):c.13248C>A (p.Asp4416Glu)

Gene: HMCN1 (hemicentin 1; plus strand). Cytogenetic location: 1q31.1.
Variant type: single nucleotide variant.
Coding change: c.13248C>A on transcript NM_031935.3 (MANE Select); coding-DNA position 13248, C replaced by A.
Protein change: p.Asp4416Glu; replaces aspartic acid 4416 with glutamic acid.
Molecular consequence: missense variant.
Genome position (GRCh38, 1-based): chr1:186,132,345, C>A. VCF-style: chr1-186132345-C-A. GRCh37 (hg19) VCF-style: chr1-186101477-C-A.
Other names: short protein forms D4416E.
Identifiers: ClinVar variation 1362156 (VCV001362156.6), dbSNP rs1000886295, ClinGen allele CA33464627.
Genomic context (GRCh38, chr1:186,132,345, plus strand): 5'-CTGTAGGCTCATATTTTTGTAAAAACGCTGCTTATTTCCATAGAATGAAGATGCCGGTGA[C>A]TATACATGTGTAGCTACCAATGAAGCTGGGGTGGTGGAGCGCAGCATGAGTCTGACTCTG-3'
Protein context (NP_114141.2, residues 4406-4426): IYGTVNEDAG[Asp4416Glu]YTCVATNEAG

ClinVar aggregate classification (germline): Uncertain significance (1 of 4 stars; one submission).

Allele frequency attached by ClinVar (database versions not stated): TOPMed 0.00001.
gnomAD v4.1: 1 of 1,612,736 alleles (0.000062%); highest among the groups gnomAD compares: African/African-American, 0.0013%; no homozygotes.

Submission:

Labcorp Genetics (formerly Invitae), Labcorp
Classification: Uncertain significance. Last evaluated: 2022-02-25. Review status: criteria provided, single submitter. Criteria: Invitae Variant Classification Sherloc (09022015). Collection method: clinical testing. Allele origin: germline.
Comment: In summary, the available evidence is currently insufficient to determine the role of this variant in disease. Therefore, it has been classified as a Variant of Uncertain Significance. Algorithms developed to predict the effect of missense changes on protein structure and function are either unavailable or do not agree on the potential impact of this missense change (SIFT: "Deleterious"; PolyPhen-2: "Probably Damaging"; Align-GVGD: "Class C0"). This variant has not been reported in the literature in individuals affected with HMCN1-related conditions. This variant is not present in population databases (gnomAD no frequency). This sequence change replaces aspartic acid, which is acidic and polar, with glutamic acid, which is acidic and polar, at codon 4416 of the HMCN1 protein (p.Asp4416Glu).